The following is an entry in ClinVar:

NM_006031.6(PCNT):c.3166-4A>G

Gene: PCNT (pericentrin; plus strand). Cytogenetic location: 21q22.3.
Variant type: single nucleotide variant.
Coding change: c.3166-4A>G on transcript NM_006031.6 (MANE Select); 4 bases into the intron before coding-DNA position 3166, A replaced by G.
Molecular consequence: intron variant.
Genome position (GRCh38, 1-based): chr21:46,381,690, A>G. VCF-style: chr21-46381690-A-G. GRCh37 (hg19) VCF-style: chr21-47801605-A-G.
Other names: c.2812-4A>G (NM_001315529.2).
Identifiers: ClinVar variation 3356481 (VCV003356481.1).

ClinVar aggregate classification (germline): Likely benign (0 of 4 stars; one submission).

Conditions:
PCNT-related disorder. Also called: PCNT-related condition.

gnomAD v4.1: 2 of 1,612,786 alleles (0.00012%); highest among the groups gnomAD compares: East Asian, 0.0022%; no homozygotes.

Submission:

PreventionGenetics, part of Exact Sciences
Classification: Likely benign for PCNT-related condition. Last evaluated: 2023-05-23. Review status: no assertion criteria provided. Collection method: clinical testing. Allele origin: germline.
Comment: This variant is classified as likely benign based on ACMG/AMP sequence variant interpretation guidelines (Richards et al. 2015 PMID: 25741868, with internal and published modifications).